The following is an entry in ClinVar:

NM_014141.6(CNTNAP2):c.3039G>A (p.Met1013Ile)

Gene: CNTNAP2 (contactin associated protein 2; plus strand). Cytogenetic location: 7q36.1.
Variant type: single nucleotide variant.
Coding change: c.3039G>A on transcript NM_014141.6 (MANE Select); coding-DNA position 3039, G replaced by A.
Protein change: p.Met1013Ile; replaces methionine 1013 with isoleucine.
Molecular consequence: missense variant.
Genome position (GRCh38, 1-based): chr7:148,217,316, G>A. VCF-style: chr7-148217316-G-A. GRCh37 (hg19) VCF-style: chr7-147914408-G-A.
Other names: short protein forms M1013I.
Identifiers: ClinVar variation 453033 (VCV000453033.33), dbSNP rs745718727, ClinGen allele CA168824057.

ClinVar aggregate classification (germline): Uncertain significance. Review status: criteria provided, multiple submitters, no conflicts (2 of 4 stars). 3 submissions from 3 submitters: Uncertain significance (3). Last evaluated 2023-11-01.

Conditions:
Cortical dysplasia-focal epilepsy syndrome (PTHSL1). Also called: Pitt-Hopkins-like syndrome 1. Identifiers: Orphanet 163681, Orphanet 221150, MedGen C2750246, MONDO:0012400, OMIM 610042.

Allele frequency attached by ClinVar (database versions not stated): gnomAD exomes below 0.00001 and 0.00001; gnomAD 0.00001; TOPMed 0.00002.

Submissions (3):

CeGaT Center for Human Genetics Tuebingen
Classification: Uncertain significance. Last evaluated: 2023-11-01. Review status: criteria provided, single submitter. Criteria: CeGaT Center For Human Genetics Tuebingen Variant Classification Criteria Version 2. Collection method: clinical testing. Allele origin: germline. Affected: yes. Observed: 1 variant allele.
Comment: CNTNAP2: PM2

Labcorp Genetics (formerly Invitae), Labcorp
Classification: Uncertain significance for Cortical dysplasia-focal epilepsy syndrome. Last evaluated: 2020-11-04. Review status: criteria provided, single submitter. Criteria: Invitae Variant Classification Sherloc (09022015). Collection method: clinical testing. Allele origin: germline.
Comment: This variant has not been reported in the literature in individuals with CNTNAP2-related conditions. ClinVar contains an entry for this variant (Variation ID: 453033). Algorithms developed to predict the effect of missense changes on protein structure and function (SIFT, PolyPhen-2, Align-GVGD) all suggest that this variant is likely to be tolerated, but these predictions have not been confirmed by published functional studies and their clinical significance is uncertain. In summary, the available evidence is currently insufficient to determine the role of this variant in disease. Therefore, it has been classified as a Variant of Uncertain Significance. This variant is not present in population databases (ExAC no frequency). This sequence change replaces methionine with isoleucine at codon 1013 of the CNTNAP2 protein (p.Met1013Ile). The methionine residue is highly conserved and there is a small physicochemical difference between methionine and isoleucine.

GeneDx
Classification: Uncertain significance. Last evaluated: 2017-10-26. Review status: criteria provided, single submitter. Criteria: GeneDx Variant Classification (06012015). Collection method: clinical testing. Allele origin: germline. Affected: yes.
Comment: The M1013I variant has not been published as a pathogenic variant, nor has it been reported as a benign variant to our knowledge. This variant is not observed at a significant frequency in large population cohorts (Lek et al., 2016). This substitution occurs at a position that is conserved in mammals. However, the M1013Ivariant is a conservative amino acid substitution, which is not likely to impact secondary proteinstructure as these residues share similar properties. In silico analysis is inconsistent in its predictions asto whether or not the variant is damaging to the protein structure/function. Therefore, based on the currently available information, it is unclear whether this variant is a pathogenic variant or a rare benign variant.